The following is an entry in ClinVar:

NM_005733.3(KIF20A):c.311C>G (p.Ser104Cys)

Gene: KIF20A (kinesin family member 20A; plus strand). Cytogenetic location: 5q31.2.
Variant type: single nucleotide variant.
Coding change: c.311C>G on transcript NM_005733.3 (MANE Select); coding-DNA position 311, C replaced by G.
Protein change: p.Ser104Cys; replaces serine 104 with cysteine.
Molecular consequence: missense variant.
Genome position (GRCh38, 1-based): chr5:138,181,664, C>G. VCF-style: chr5-138181664-C-G. GRCh37 (hg19) VCF-style: chr5-137517353-C-G.
Other names: short protein forms S104C.
Identifiers: ClinVar variation 3729263 (VCV003729263.2).

ClinVar aggregate classification (germline): Uncertain significance (1 of 4 stars; one submission).

gnomAD v4.1: 3 of 1,614,224 alleles (0.00019%); highest among the groups gnomAD compares: Non-Finnish European, 0.00025%; no homozygotes.

Submission:

Labcorp Genetics (formerly Invitae), Labcorp
Classification: Uncertain significance. Last evaluated: 2025-01-20. Review status: criteria provided, single submitter. Criteria: Invitae Variant Classification Sherloc (09022015). Collection method: clinical testing. Allele origin: germline.
Comment: This sequence change replaces serine, which is neutral and polar, with cysteine, which is neutral and slightly polar, at codon 104 of the KIF20A protein (p.Ser104Cys). This variant is present in population databases (no rsID available, gnomAD 0.002%). This variant has not been reported in the literature in individuals affected with KIF20A-related conditions. An algorithm developed to predict the effect of missense changes on protein structure and function (PolyPhen-2) suggests that this variant is likely to be tolerated. In summary, the available evidence is currently insufficient to determine the role of this variant in disease. Therefore, it has been classified as a Variant of Uncertain Significance.